The following is an entry in ClinVar:

ClinVar aggregate classification (germline): Uncertain significance. Review status: criteria provided, multiple submitters, no conflicts (2 of 4 stars). 3 submissions from 3 submitters: Uncertain significance (3). Last evaluated 2026-08-20.

Conditions:
Hereditary cancer-predisposing syndrome. Also called: Hereditary Cancer Syndrome; Hereditary neoplastic syndrome; Neoplastic Syndromes, Hereditary; Tumor predisposition. Identifiers: Orphanet 140162, MedGen C0027672, MeSH D009386, MONDO:0015356.
Tuberous sclerosis 1 (TSC1). Identifiers: Orphanet 805, MedGen C1854465, MONDO:0008612, OMIM 191100.

Submissions (3):

Ambry Genetics
Classification: Uncertain significance for Hereditary cancer-predisposing syndrome. Last evaluated: 2026-08-20. Review status: criteria provided, single submitter. Criteria: Ambry Variant Classification Scheme 2023. Collection method: clinical testing. Allele origin: germline.
Comment: The p.A186P variant (also known as c.556G>C), located in coding exon 5 of the TSC1 gene, results from a G to C substitution at nucleotide position 556. The alanine at codon 186 is replaced by proline, an amino acid with highly similar properties. This amino acid position is not well conserved in available vertebrate species. In addition, this alteration is predicted to be deleterious by in silico analysis. Based on the available evidence, the clinical significance of this variant remains unclear.

Labcorp Genetics (formerly Invitae), Labcorp
Classification: Uncertain significance for Tuberous sclerosis 1. Last evaluated: 2025-12-30. Review status: criteria provided, single submitter. Criteria: Invitae Variant Classification Sherloc (09022015). Collection method: clinical testing. Allele origin: germline.
Comment: This sequence change replaces alanine, which is neutral and non-polar, with proline, which is neutral and non-polar, at codon 186 of the TSC1 protein (p.Ala186Pro). This variant is not present in population databases (gnomAD no frequency). This variant has not been reported in the literature in individuals affected with TSC1-related conditions. ClinVar contains an entry for this variant (Variation ID: 1748362). Invitae Evidence Modeling of protein sequence and biophysical properties (such as structural, functional, and spatial information, amino acid conservation, physicochemical variation, residue mobility, and thermodynamic stability) has been performed for this missense variant. However, the output from this modeling did not meet the statistical confidence thresholds required to predict the impact of this variant on TSC1 protein function. In summary, the available evidence is currently insufficient to determine the role of this variant in disease. Therefore, it has been classified as a Variant of Uncertain Significance.

Blueprint Genetics
Classification: Uncertain significance. Last evaluated: 2022-02-18. Review status: criteria provided, single submitter. Criteria: ACMG Guidelines, 2015. Collection method: clinical testing. Allele origin: germline.

NM_000368.5(TSC1):c.556G>C (p.Ala186Pro)

Gene: TSC1 (TSC complex subunit 1; minus strand). Cytogenetic location: 9q34.13.
Variant type: single nucleotide variant.
Coding change: c.556G>C on transcript NM_000368.5 (MANE Select); coding-DNA position 556, G replaced by C.
Protein change: p.Ala186Pro; replaces alanine 186 with proline.
Molecular consequence: missense variant.
Genome position (GRCh38, 1-based): chr9:132,921,926, C>G on the plus strand (G>C on the coding strand, the complement: TSC1 is on the minus strand). VCF-style: chr9-132921926-C-G. GRCh37 (hg19) VCF-style: chr9-135797313-C-G.
Other names: c.556G>C, p.Ala186Pro (NM_001162426.2, NM_001406592.1, NM_001406593.1 and 16 more transcripts); c.403G>C, p.Ala135Pro (NM_001162427.2, NM_001406610.1, NM_001406611.1 and 2 more transcripts); c.193G>C, p.Ala65Pro (NM_001362177.2, NM_001406614.1, NM_001406615.1 and 10 more transcripts); c.-322G>C (NM_001406626.1, NM_001406627.1, NM_001406628.1); c.-464G>C (NM_001406629.1); c.-538G>C (NM_001406630.1); short protein forms A135P, A186P, A65P.
Identifiers: ClinVar variation 1748362 (VCV001748362.7), dbSNP rs1279777367, ClinGen allele CA375372739.